The following is an entry in ClinVar:

ClinVar aggregate classification (germline): Uncertain significance (1 of 4 stars; one submission).

Submission:

Labcorp Genetics (formerly Invitae), Labcorp
Classification: Uncertain significance. Last evaluated: 2025-05-27. Review status: criteria provided, single submitter. Criteria: Invitae Variant Classification Sherloc (09022015). Collection method: clinical testing. Allele origin: germline.
Comment: This sequence change replaces phenylalanine, which is neutral and non-polar, with leucine, which is neutral and non-polar, at codon 45 of the SEPT9 protein (p.Phe45Leu). This variant is not present in population databases (gnomAD no frequency). This variant has not been reported in the literature in individuals affected with SEPT9-related conditions. Invitae Evidence Modeling of protein sequence and biophysical properties (such as structural, functional, and spatial information, amino acid conservation, physicochemical variation, residue mobility, and thermodynamic stability) indicates that this missense variant is not expected to disrupt SEPT9 protein function with a negative predictive value of 80%. In summary, the available evidence is currently insufficient to determine the role of this variant in disease. Therefore, it has been classified as a Variant of Uncertain Significance.

NM_001113491.2(SEPTIN9):c.187T>C (p.Phe63Leu)

Gene: SEPTIN9 (septin 9; plus strand). Cytogenetic location: 17q25.3.
Variant type: single nucleotide variant.
Coding change: c.187T>C on transcript NM_001113491.2 (MANE Select); coding-DNA position 187, T replaced by C.
Protein change: p.Phe63Leu; replaces phenylalanine 63 with leucine.
Molecular consequence: missense variant. On other transcripts: 5 prime UTR variant (2).
Genome position (GRCh38, 1-based): chr17:77,402,169, T>C. VCF-style: chr17-77402169-T-C. GRCh37 (hg19) VCF-style: chr17-75398251-T-C.
Other names: c.-306T>C (NM_001113492.2, NM_001113494.1); c.166T>C, p.Phe56Leu (NM_001113493.2); c.130T>C, p.Phe44Leu (NM_001293695.2); c.133T>C, p.Phe45Leu (NM_006640.5); short protein forms F63L, F45L, F44L, F56L.
Identifiers: ClinVar variation 4744243 (VCV004744243.1).